The following is an entry in ClinVar:

ClinVar aggregate classification (germline): Benign/Likely benign. Review status: criteria provided, multiple submitters, no conflicts (2 of 4 stars). 4 submissions from 4 submitters: Benign (1); Likely benign (3). Last evaluated 2026-08-01.

Conditions:
Inborn genetic diseases. Identifiers: MedGen C0950123, MeSH D030342.

Allele frequency attached by ClinVar (database versions not stated): 1000 Genomes Project 0.00300; 1000 Genomes Project 30x 0.00312; ExAC 0.00629; TOPMed 0.00648; gnomAD exomes 0.00667 and 0.01037; gnomAD 0.00693 and 0.00706; ESP Exome Variant Server 0.00777.
gnomAD v4.1: 16,162 of 1,613,982 alleles (1%); highest among the groups gnomAD compares: Non-Finnish European, 1.2%; 94 homozygotes.

Submissions (4):

CeGaT Center for Human Genetics Tuebingen
Classification: Benign. Last evaluated: 2026-08-01. Review status: criteria provided, single submitter. Criteria: CeGaT Center For Human Genetics Tuebingen Variant Classification Criteria Version 2. Collection method: clinical testing. Allele origin: germline. Affected: yes. Observed: 8 variant alleles.
Comment: GEMIN5: BP4, BS1, BS2

Ambry Genetics
Classification: Likely benign for Inborn genetic diseases. Last evaluated: 2022-12-01. Review status: criteria provided, single submitter. Criteria: Ambry Variant Classification Scheme 2023. Collection method: clinical testing. Allele origin: germline.

Labcorp Genetics (formerly Invitae), Labcorp
Classification: Likely benign. Last evaluated: 2019-12-31. Review status: criteria provided, single submitter. Criteria: Invitae Variant Classification Sherloc (09022015). Collection method: clinical testing. Allele origin: germline.

Breakthrough Genomics
Classification: Likely benign. Review status: criteria provided, single submitter. Criteria: ACMG Guidelines, 2015. Collection method: not provided. Allele origin: germline. Inheritance: Autosomal recessive inheritance. Affected: yes.

NM_015465.5(GEMIN5):c.3194C>T (p.Ala1065Val)

Gene: GEMIN5 (gem nuclear organelle associated protein 5; minus strand). Cytogenetic location: 5q33.2.
Variant type: single nucleotide variant.
Coding change: c.3194C>T on transcript NM_015465.5 (MANE Select); coding-DNA position 3194, C replaced by T.
Protein change: p.Ala1065Val; replaces alanine 1065 with valine.
Molecular consequence: missense variant.
Genome position (GRCh38, 1-based): chr5:154,898,591, G>A on the plus strand (C>T on the coding strand, the complement: GEMIN5 is on the minus strand). VCF-style: chr5-154898591-G-A. GRCh37 (hg19) VCF-style: chr5-154278151-G-A.
Other names: c.3191C>T, p.Ala1064Val (NM_001252156.2); c.3194C>T (NM_015465.3); short protein forms A1064V, A1065V.
Identifiers: ClinVar variation 774861 (VCV000774861.26), dbSNP rs115551140, ClinGen allele CA3528456.